The following is an entry in ClinVar:

NM_000059.4(BRCA2):c.8332-757C>T

Gene: BRCA2 (BRCA2 DNA repair associated; plus strand). Cytogenetic location: 13q13.1.
Variant type: single nucleotide variant.
Coding change: c.8332-757C>T on transcript NM_000059.4 (MANE Select); 757 bases into the intron before coding-DNA position 8332, C replaced by T.
Molecular consequence: intron variant.
Genome position (GRCh38, 1-based): chr13:32,369,645, C>T. VCF-style: chr13-32369645-C-T. GRCh37 (hg19) VCF-style: chr13-32943782-C-T.
Other names: IVS 18-757C>T.
Identifiers: ClinVar variation 209810 (VCV000209810.1), dbSNP rs11571739, ClinGen allele CA276778.

ClinVar aggregate classification (germline): Benign (3 of 4 stars; one submission).

Conditions:
Breast-ovarian cancer, familial, susceptibility to, 2 (BROVCA2). Also called: BRCA2 Hereditary Breast and Ovarian Cancer. Identifiers: Orphanet 145, MedGen C2675520, MONDO:0012933, OMIM 612555. Disease mechanism: loss of function.

Allele frequency attached by ClinVar (database versions not stated): gnomAD 0.03650 and 0.04055; TOPMed 0.04186; 1000 Genomes Project 0.07348; 1000 Genomes Project 30x 0.07355.
gnomAD v4.1: 6,179 of 152,292 alleles (4.1%); highest among the groups gnomAD compares: South Asian, 11%; 213 homozygotes.

Submission:

Evidence-based Network for the Interpretation of Germline Mutant Alleles (ENIGMA)
Classification: Benign for Breast-ovarian cancer, familial 2. Last evaluated: 2015-01-12. Review status: reviewed by expert panel. Criteria: ENIGMA BRCA1/2 Classification Criteria (2015). Collection method: curation. Allele origin: germline.
Comment: Class 1 not pathogenic based on frequency >1% in an outbred sampleset. Frequency 0.1049 (Asian), 0.01829 (African), 0.03694 (European), derived from 1000 genomes (2012-04-30).